The following is an entry in ClinVar:

NM_004304.5(ALK):c.4726C>G (p.His1576Asp)

Gene: ALK (ALK receptor tyrosine kinase; minus strand). Cytogenetic location: 2p23.2.
Variant type: single nucleotide variant.
Coding change: c.4726C>G on transcript NM_004304.5 (MANE Select); coding-DNA position 4726, C replaced by G.
Protein change: p.His1576Asp; replaces histidine 1576 with aspartic acid.
Molecular consequence: missense variant.
Genome position (GRCh38, 1-based): chr2:29,193,361, G>C on the plus strand (C>G on the coding strand, the complement: ALK is on the minus strand). VCF-style: chr2-29193361-G-C. GRCh37 (hg19) VCF-style: chr2-29416227-G-C.
Other names: c.1522C>G, p.His508Asp (NM_001353765.2); short protein forms H508D, H1576D.
Identifiers: ClinVar variation 2850036 (VCV002850036.3), dbSNP rs2148137345, ClinGen allele CA346460380.

ClinVar aggregate classification (germline): Uncertain significance (1 of 4 stars; one submission).

Conditions:
Neuroblastoma, susceptibility to, 3. Also called: ALK-Related Neuroblastic Tumor Susceptibility. Identifiers: Orphanet 635, MedGen C2751681, MONDO:0013083, OMIM 613014.

Submission:

Labcorp Genetics (formerly Invitae), Labcorp
Classification: Uncertain significance for Neuroblastoma, susceptibility to, 3. Last evaluated: 2023-03-27. Review status: criteria provided, single submitter. Criteria: Invitae Variant Classification Sherloc (09022015). Collection method: clinical testing. Allele origin: germline.
Comment: An algorithm developed to predict the effect of missense changes on protein structure and function (PolyPhen-2) suggests that this variant is likely to be disruptive. In summary, the available evidence is currently insufficient to determine the role of this variant in disease. Therefore, it has been classified as a Variant of Uncertain Significance. This variant has not been reported in the literature in individuals affected with ALK-related conditions. This variant is not present in population databases (gnomAD no frequency). This sequence change replaces histidine, which is basic and polar, with aspartic acid, which is acidic and polar, at codon 1576 of the ALK protein (p.His1576Asp).